The following is an entry in ClinVar:

ClinVar aggregate classification (germline): Uncertain significance (1 of 4 stars; one submission).

Allele frequency attached by ClinVar (database versions not stated): gnomAD exomes below 0.00001; TOPMed below 0.00001.
gnomAD v4.1: 1 of 1,613,994 alleles (0.000062%); highest among the groups gnomAD compares: Non-Finnish European, 0.000085%; no homozygotes.

Submission:

Labcorp Genetics (formerly Invitae), Labcorp
Classification: Uncertain significance. Last evaluated: 2022-02-22. Review status: criteria provided, single submitter. Criteria: Invitae Variant Classification Sherloc (09022015). Collection method: clinical testing. Allele origin: germline.
Comment: In summary, the available evidence is currently insufficient to determine the role of this variant in disease. Therefore, it has been classified as a Variant of Uncertain Significance. Advanced modeling of protein sequence and biophysical properties (such as structural, functional, and spatial information, amino acid conservation, physicochemical variation, residue mobility, and thermodynamic stability) performed at Invitae indicates that this missense variant is not expected to disrupt LRP2 protein function. This variant has not been reported in the literature in individuals affected with LRP2-related conditions. This variant is present in population databases (no rsID available, gnomAD 0.0009%). This sequence change replaces histidine, which is basic and polar, with arginine, which is basic and polar, at codon 372 of the LRP2 protein (p.His372Arg).

NM_004525.3(LRP2):c.1115A>G (p.His372Arg)

Gene: LRP2 (LDL receptor related protein 2; minus strand). Cytogenetic location: 2q31.1.
Variant type: single nucleotide variant.
Coding change: c.1115A>G on transcript NM_004525.3 (MANE Select); coding-DNA position 1115, A replaced by G.
Protein change: p.His372Arg; replaces histidine 372 with arginine.
Molecular consequence: missense variant.
Genome position (GRCh38, 1-based): chr2:169,282,929, T>C on the plus strand (A>G on the coding strand, the complement: LRP2 is on the minus strand). VCF-style: chr2-169282929-T-C. GRCh37 (hg19) VCF-style: chr2-170139439-T-C.
Other names: short protein forms H372R.
Identifiers: ClinVar variation 1914132 (VCV001914132.5), dbSNP rs1166921998, ClinGen allele CA349152301.